The following is an entry in ClinVar:

ClinVar aggregate classification (germline): Pathogenic (1 of 4 stars; one submission).

Conditions:
Alport syndrome. Also called: Hemorrhagic familial nephritis; Hemorrhagic hereditary nephritis; Congenital hereditary hematuria. Identifiers: Orphanet 63, MedGen C1567741, MONDO:0018965.

Submission:

Myriad Genetics, Inc.
Classification: Pathogenic for Alport syndrome. Last evaluated: 2023-08-26. Review status: criteria provided, single submitter. Criteria: Myriad Autosomal Dominant, Autosomal Recessive and X-Linked Classification Criteria (2023). Collection method: clinical testing. Allele origin: unknown.
Comment: NM_000091.4(COL4A3):c.1790_1791ins8(P598Cfs*152) is expected to be pathogenic in the context of Alport syndrome, COL4A3-related. This variant is predicted to lead to an abnormal or absent protein product due to the creation of a premature termination codon in COL4A3, a gene where loss-of-function variants are known to be pathogenic. Please note: this variant was assessed in the context of healthy population screening.

NM_000091.5(COL4A3):c.1790_1791insCTGTCTCT (p.Pro598fs)

Genes: COL4A3 (collagen type IV alpha 3 chain; plus strand), MFF-DT (MFF divergent transcript; minus strand). Cytogenetic location: 2q36.3.
Variant type: Insertion.
Coding change: c.1790_1791insCTGTCTCT on transcript NM_000091.5 (MANE Select); coding-DNA positions 1790 to 1791, CTGTCTCT inserted.
Protein change: p.Pro598fs; shifts the reading frame from proline 598.
Molecular consequence: frameshift variant.
Genome position: GRCh38 VCF-style: chr2-227272980-C-CCTGTCTCT. GRCh37 (hg19) VCF-style: chr2-228137696-C-CCTGTCTCT.
Other names: short protein forms P598fs.
Identifiers: ClinVar variation 5011478 (VCV005011478.1).